The following is an entry in ClinVar:

ClinVar aggregate classification (germline): Pathogenic/Likely pathogenic. Review status: criteria provided, multiple submitters, no conflicts (2 of 4 stars). 3 submissions from 3 submitters: Pathogenic (1); Likely pathogenic (2). Last evaluated 2023-04-30.

Conditions:
Combined malonic and methylmalonic acidemia. Identifiers: Orphanet 289504, MedGen C3280314, MONDO:0013661, OMIM 614265.

Allele frequency attached by ClinVar (database versions not stated): TOPMed below 0.00001.

Submissions (3):

Baylor Genetics
Classification: Likely pathogenic for Combined malonic and methylmalonic acidemia. Last evaluated: 2023-04-30. Review status: criteria provided, single submitter. Criteria: ACMG Guidelines, 2015. Collection method: clinical testing. Allele origin: unknown.

Labcorp Genetics (formerly Invitae), Labcorp
Classification: Pathogenic for Combined malonic and methylmalonic acidemia. Last evaluated: 2019-10-07. Review status: criteria provided, single submitter. Criteria: Invitae Variant Classification Sherloc (09022015). Collection method: clinical testing. Allele origin: germline.
Comment: For these reasons, this variant has been classified as Pathogenic. Loss-of-function variants in ACSF3 are known to be pathogenic (PMID: 21841779, 26827111). Algorithms developed to predict the effect of sequence changes on RNA splicing suggest that this variant may create or strengthen a splice site, but this prediction has not been confirmed by published transcriptional studies. This variant has not been reported in the literature in individuals with ACSF3-related conditions. This variant is not present in population databases (ExAC no frequency). This sequence change creates a premature translational stop signal (p.Trp230*) in the ACSF3 gene. It is expected to result in an absent or disrupted protein product.

Juno Genomics, Hangzhou Juno Genomics, Inc
Classification: Likely pathogenic for Combined malonic and methylmalonic acidemia. Review status: criteria provided, single submitter. Criteria: ACMG Guidelines, 2015. Collection method: clinical testing. Allele origin: germline. Affected: yes.
Comment: Absent from controls (or at extremely low frequency if recessive) in Genome Aggregation Database.;Null variant in a gene where loss of function (LOF) is a known mechanism of disease.

Literature cited by the submitters: PubMed 21841779 (cited by Labcorp Genetics (formerly Invitae), Labcorp); PubMed 26827111 (cited by Labcorp Genetics (formerly Invitae), Labcorp).

NM_001243279.3(ACSF3):c.690G>A (p.Trp230Ter)

Gene: ACSF3 (acyl-CoA synthetase family member 3; plus strand). Cytogenetic location: 16q24.3.
Variant type: single nucleotide variant.
Coding change: c.690G>A on transcript NM_001243279.3 (MANE Select); coding-DNA position 690, G replaced by A.
Protein change: p.Trp230Ter; replaces tryptophan 230 with a stop codon.
Molecular consequence: nonsense. On other transcripts: 5 prime UTR variant (1), non-coding transcript variant (3).
Genome position (GRCh38, 1-based): chr16:89,102,627, G>A. VCF-style: chr16-89102627-G-A. GRCh37 (hg19) VCF-style: chr16-89169035-G-A.
Other names: c.690G>A, p.Trp230Ter (NM_001127214.4, NM_174917.5); c.-106G>A (NM_001284316.2); c.690G>A (NM_174917.3); short protein forms W230*.
Identifiers: ClinVar variation 936178 (VCV000936178.13), dbSNP rs1432097143, ClinGen allele CA397137726.